The following is an entry in ClinVar:

NM_001370259.2(MEN1):c.1415del (p.Gly472fs)

Gene: MEN1 (menin 1; minus strand). Cytogenetic location: 11q13.1.
Variant type: Deletion.
Coding change: c.1415del on transcript NM_001370259.2 (MANE Select); coding-DNA position 1415, one base deleted (G; older notation c.1415delG).
Protein change: p.Gly472fs; shifts the reading frame from glycine 472.
Molecular consequence: frameshift variant. On other transcripts: non-coding transcript variant (4).
Genome position (GRCh38, 1-based): chr11:64,804,752, C deleted on the plus strand (G on the coding strand, the reverse complement: MEN1 is on the minus strand); the first of 4 consecutive C bases (chr11:64,804,752-64,804,755); deleting any one gives the same sequence. VCF-style (leftmost placement, unchanged base first): chr11-64804751-GC-G. GRCh37 (hg19) VCF-style: chr11-64572223-GC-G.
Other names: c.1430del, p.Gly477fs (NM_001407145.1, NM_000244.4, NM_130800.3 and 4 more transcripts); c.1415del, p.Gly472fs (NM_001407146.1, NM_001407147.1, NM_001370260.2 and 2 more transcripts); c.1310del, p.Gly437fs (NM_001407148.1, NM_001407149.1, NM_001370263.2 and 1 more transcripts); c.1556del, p.Gly519fs (NM_001407150.1); c.1541del, p.Gly514fs (NM_001407142.1, NM_001407143.1, NM_001407144.1 and 1 more transcripts); c.1436del, p.Gly479fs (NM_001407151.1); c.1250del, p.Gly417fs (NM_001407152.1); short protein forms G472fs, G477fs, G479fs, G519fs, G437fs, G514fs, G417fs.
Identifiers: ClinVar variation 2767375 (VCV002767375.3), dbSNP rs2497127005, ClinGen allele CA2614208807.
Genomic context (GRCh38, chr11:64,804,751, plus strand): 5'-GGGCTCCTCTGGCTTGGACTCCCGCCGTGGGCCCCGCCGCCGGCCTTCCCGGGCTTCCTC[GC>G]CCCACGGCTCCTCGGCCTCGGCCGCCTCGGCCTCTCGGCTCACTATGCGCACCTTCTGCC-3'

ClinVar aggregate classification (germline): Pathogenic (1 of 4 stars; one submission).

Conditions:
Multiple endocrine neoplasia, type 1 (MEN1). Also called: MEA I; MEN I; WERMER SYNDROME; Endocrine adenomatosis multiple; MEN 1. Identifiers: Orphanet 652, MedGen C0025267, MeSH D018761, MONDO:0007540, OMIM 131100.

Submission:

Labcorp Genetics (formerly Invitae), Labcorp
Classification: Pathogenic for Multiple endocrine neoplasia, type 1. Last evaluated: 2023-10-10. Review status: criteria provided, single submitter. Criteria: Invitae Variant Classification Sherloc (09022015). Collection method: clinical testing. Allele origin: germline.
Comment: This sequence change creates a premature translational stop signal (p.Gly472Alafs*87) in the MEN1 gene. While this is not anticipated to result in nonsense mediated decay, it is expected to disrupt the last 139 amino acid(s) of the MEN1 protein. This variant is not present in population databases (gnomAD no frequency). This variant has not been reported in the literature in individuals affected with MEN1-related conditions. This variant disrupts a region of the MEN1 protein in which other variant(s) (p.Thr580Argfs*8) have been determined to be pathogenic (Invitae). This suggests that this is a clinically significant region of the protein, and that variants that disrupt it are likely to be disease-causing. For these reasons, this variant has been classified as Pathogenic.